The following is an entry in ClinVar:

NM_003458.4(BSN):c.11444G>A (p.Ser3815Asn)

Gene: BSN (bassoon presynaptic cytomatrix protein; plus strand). Cytogenetic location: 3p21.31.
Variant type: single nucleotide variant.
Coding change: c.11444G>A on transcript NM_003458.4 (MANE Select); coding-DNA position 11444, G replaced by A.
Protein change: p.Ser3815Asn; replaces serine 3815 with asparagine.
Molecular consequence: missense variant.
Genome position (GRCh38, 1-based): chr3:49,663,602, G>A. VCF-style: chr3-49663602-G-A. GRCh37 (hg19) VCF-style: chr3-49701035-G-A.
Other names: short protein forms S3815N.
Identifiers: ClinVar variation 3039083 (VCV003039083.2), dbSNP rs141950704, ClinGen allele CA2401501.

ClinVar aggregate classification (germline): Benign (0 of 4 stars; one submission).

Conditions:
BSN-related disorder. Also called: BSN-related condition.

Allele frequency attached by ClinVar (database versions not stated): gnomAD 0.00023; TOPMed 0.00040; ExAC 0.00069; 1000 Genomes Project 30x 0.00078; 1000 Genomes Project 0.00100.
gnomAD v4.1: 228 of 1,608,190 alleles (0.014%); highest among the groups gnomAD compares: East Asian, 0.45%; no homozygotes.

Submission:

PreventionGenetics, part of Exact Sciences
Classification: Benign for BSN-related condition. Last evaluated: 2019-05-24. Review status: no assertion criteria provided. Collection method: clinical testing. Allele origin: germline.
Comment: This variant is classified as benign based on ACMG/AMP sequence variant interpretation guidelines (Richards et al. 2015 PMID: 25741868, with internal and published modifications).